The following is an entry in ClinVar:

ClinVar aggregate classification (germline): Uncertain significance (1 of 4 stars; one submission).

Conditions:
Atrial fibrillation, familial, 14 (ATFB14). Identifiers: MedGen C3809312, MONDO:0014156, OMIM 615378.

Allele frequency attached by ClinVar (database versions not stated): gnomAD exomes below 0.00001; gnomAD 0.00001; TOPMed 0.00002.
gnomAD v4.1: 8 of 1,613,974 alleles (0.0005%); highest among the groups gnomAD compares: East Asian, 0.018%; no homozygotes.

Submission:

Labcorp Genetics (formerly Invitae), Labcorp
Classification: Uncertain significance for Atrial fibrillation, familial, 14. Last evaluated: 2023-11-14. Review status: criteria provided, single submitter. Criteria: Invitae Variant Classification Sherloc (09022015). Collection method: clinical testing. Allele origin: germline.
Comment: This sequence change affects an acceptor splice site in intron 1 of the SCN2B gene. It is expected to disrupt RNA splicing. Variants that disrupt the donor or acceptor splice site typically lead to a loss of protein function (PMID: 16199547), however the current clinical and genetic evidence is not sufficient to establish whether loss-of-function variants in SCN2B cause disease. This variant is present in population databases (rs758825110, gnomAD 0.04%), and has an allele count higher than expected for a pathogenic variant. This variant has not been reported in the literature in individuals affected with SCN2B-related conditions. Algorithms developed to predict the effect of sequence changes on RNA splicing suggest that this variant may disrupt the consensus splice site. In summary, the available evidence is currently insufficient to determine the role of this variant in disease. Therefore, it has been classified as a Variant of Uncertain Significance.

Literature cited by the submitters: PubMed 16199547.

NM_004588.5(SCN2B):c.71-1G>A

Gene: SCN2B (sodium voltage-gated channel beta subunit 2; minus strand). Cytogenetic location: 11q23.3.
Variant type: single nucleotide variant.
Coding change: c.71-1G>A on transcript NM_004588.5 (MANE Select); the canonical splice acceptor site of the intron before coding-DNA position 71, G replaced by A.
Molecular consequence: splice acceptor variant.
Genome position (GRCh38, 1-based): chr11:118,168,752, C>T on the plus strand (G>A on the coding strand, the complement: SCN2B is on the minus strand). VCF-style: chr11-118168752-C-T. GRCh37 (hg19) VCF-style: chr11-118039467-C-T.
Identifiers: ClinVar variation 3018245 (VCV003018245.3), dbSNP rs758825110, ClinGen allele CA6300539.